The following is an entry in ClinVar:

ClinVar aggregate classification (germline): Likely pathogenic (1 of 4 stars; one submission).

Conditions:
Snijders Blok-Campeau syndrome. Also called: INTELLECTUAL DEVELOPMENTAL DISORDER WITH MACROCEPHALY, SPEECH DELAY, AND DYSMORPHIC FACIES. Identifiers: Orphanet 599082, MedGen C4748701, MONDO:0032600, OMIM 618205.

Submission:

3billion
Classification: Likely pathogenic for Snijders Blok-Campeau syndrome. Last evaluated: 2024-11-20. Review status: criteria provided, single submitter. Criteria: ACMG Guidelines, 2015. Collection method: clinical testing. Allele origin: germline. Affected: yes.
Comment: The variant is not observed in the gnomAD v4.1.0 dataset. Predicted Consequence/Location: Stop-gained (nonsense): predicted to result in a loss or disruption of normal protein function through nonsense-mediated decay (NMD) or protein truncation. Multiple pathogenic variants are reported downstream of the variant. Therefore, this variant is classified as Likely pathogenic according to the recommendation of ACMG/AMP guideline.

NM_001005273.3(CHD3):c.5302C>T (p.Gln1768Ter)

Gene: CHD3 (chromodomain helicase DNA binding protein 3; plus strand). Cytogenetic location: 17p13.1.
Variant type: single nucleotide variant.
Coding change: c.5302C>T on transcript NM_001005273.3 (MANE Select); coding-DNA position 5302, C replaced by T.
Protein change: p.Gln1768Ter; replaces glutamine 1768 with a stop codon.
Molecular consequence: nonsense.
Genome position (GRCh38, 1-based): chr17:7,908,737, C>T. VCF-style: chr17-7908737-C-T. GRCh37 (hg19) VCF-style: chr17-7812055-C-T.
Other names: c.5479C>T, p.Gln1827Ter (NM_001005271.3, NM_001437504.1); c.5467C>T, p.Gln1823Ter (NM_001437507.1); c.5365C>T, p.Gln1789Ter (NM_001437508.1); c.5470C>T, p.Gln1824Ter (NM_001437509.1); c.5200C>T, p.Gln1734Ter (NM_005852.4); short protein forms Q1734*, Q1768*, Q1789*, Q1823*, Q1824*, Q1827*.
Identifiers: ClinVar variation 4292521 (VCV004292521.1).
Genomic context (GRCh38, chr17:7,908,737, plus strand): 5'-TCCTTTTCCTTCATTGGTAGCCATGGCTATGCACGGTGGCAGGACATCCAGAATGATGCT[C>T]AATTTGCCATTATCAACGAGCCATTTAAAACTGAAGCCAATAAGGGGAACTTTCTGGAGA-3'